The following is an entry in ClinVar:

ClinVar aggregate classification (germline): Likely pathogenic (1 of 4 stars; one submission).

Conditions:
Long QT syndrome (LQTS). Identifiers: MedGen C0023976, MeSH D008133, MONDO:0002442. Disease mechanism: loss of function. Inheritance: Various modes of inheritance.

Submission:

Labcorp Genetics (formerly Invitae), Labcorp
Classification: Likely pathogenic for Long QT syndrome. Last evaluated: 2019-09-13. Review status: criteria provided, single submitter. Criteria: Invitae Variant Classification Sherloc (09022015). Collection method: clinical testing. Allele origin: germline.
Comment: In summary, the currently available evidence indicates that the variant is pathogenic, but additional data are needed to prove that conclusively. Therefore, this variant has been classified as Likely Pathogenic. This variant disrupts the p.Ala371 amino acid residue in KCNQ1. Other variant(s) that disrupt this residue have been determined to be pathogenic (PMID: 16556865, 9386136, 10973849, 20196769). This suggests that this residue is clinically significant, and that variants that disrupt this residue are likely to be disease-causing. Algorithms developed to predict the effect of missense changes on protein structure and function (SIFT, PolyPhen-2, Align-GVGD) all suggest that this variant is likely to be disruptive, but these predictions have not been confirmed by published functional studies and their clinical significance is uncertain. This variant has been observed to segregate with longQT syndrome in a family (Invitae). ClinVar contains an entry for this variant (Variation ID: 237221). This variant is not present in population databases (ExAC no frequency). This sequence change replaces alanine with proline at codon 371 of the KCNQ1 protein (p.Ala371Pro). The alanine residue is highly conserved and there is a small physicochemical difference between alanine and proline.

Literature cited by the submitters: PubMed 16556865; PubMed 9386136; PubMed 10973849; PubMed 20196769.

NM_000218.3(KCNQ1):c.1111G>C (p.Ala371Pro)

Gene: KCNQ1 (potassium voltage-gated channel subfamily Q member 1; plus strand). Cytogenetic location: 11p15.5.
Variant type: single nucleotide variant.
Coding change: c.1111G>C on transcript NM_000218.3 (MANE Select); coding-DNA position 1111, G replaced by C.
Protein change: p.Ala371Pro; replaces alanine 371 with proline.
Molecular consequence: missense variant.
Genome position (GRCh38, 1-based): chr11:2,585,290, G>C. VCF-style: chr11-2585290-G-C. GRCh37 (hg19) VCF-style: chr11-2606520-G-C.
Other names: c.841G>C, p.Ala281Pro (NM_001406837.1); c.730G>C, p.Ala244Pro (NM_181798.2); short protein forms A244P, A371P, A281P.
Identifiers: ClinVar variation 237221 (VCV000237221.12), dbSNP rs199473412, ClinGen allele CA10582883.